The following is an entry in ClinVar:

NM_001267550.2(TTN):c.66679C>T (p.Gln22227Ter)

Genes: TTN (titin; minus strand), TTN-AS1 (TTN antisense RNA 1; plus strand). Cytogenetic location: 2q31.2.
Variant type: single nucleotide variant.
Coding change: c.66679C>T on transcript NM_001267550.2 (MANE Select); coding-DNA position 66679, C replaced by T.
Protein change: p.Gln22227Ter; replaces glutamine 22227 with a stop codon.
Molecular consequence: nonsense.
Genome position (GRCh38, 1-based): chr2:178,581,589, G>A on the plus strand (C>T on the coding strand, the complement: TTN is on the minus strand). VCF-style: chr2-178581589-G-A. GRCh37 (hg19) VCF-style: chr2-179446316-G-A.
Other names: c.61756C>T, p.Gln20586Ter (NM_001256850.1); c.39484C>T, p.Gln13162Ter (NM_003319.4); c.58975C>T, p.Gln19659Ter (NM_133378.4); c.39859C>T, p.Gln13287Ter (NM_133432.3); c.40060C>T, p.Gln13354Ter (NM_133437.4); short protein forms Q13287*, Q22227*, Q19659*, Q13162*, Q13354*, Q20586*.
Identifiers: ClinVar variation 1736392 (VCV001736392.5), dbSNP rs2468989119, ClinGen allele CA349428418.
Genomic context (GRCh38, chr2:178,581,589, plus strand): 5'-GCACATCACTGGGGTCACTGTATCCAATCTTATTAACGGCATACACACGGAATTGATATT[G>A]TGTGTCTTCCATCAGGCCAGTAACCTCAAAGCGGGTTTTCTGTAGATTCTGTGGTAAGTT-3'

ClinVar aggregate classification (germline): Likely pathogenic. Review status: criteria provided, multiple submitters, no conflicts (2 of 4 stars). 3 submissions from 3 submitters: Likely pathogenic (3). Last evaluated 2025-01-12.

Conditions:
Cardiovascular phenotype. Identifiers: MedGen CN230736.
TTN-related disorder. Also called: TTN-related condition; TTN-related disease; TTN-related disorders.
Autosomal recessive limb-girdle muscular dystrophy type 2J (LGMDR10). Also called: Limb-girdle muscular dystrophy, type 2J; MUSCULAR DYSTROPHY, LIMB-GIRDLE, AUTOSOMAL RECESSIVE 10. Identifiers: Orphanet 140922, MedGen C1837342, MONDO:0012127, OMIM 608807.
Dilated cardiomyopathy 1G (CMD1G). Identifiers: Orphanet 154, MedGen C1858763, MONDO:0011400, OMIM 604145.

Submissions (3):

Labcorp Genetics (formerly Invitae), Labcorp
Classification: Likely pathogenic for Dilated cardiomyopathy 1G; Autosomal recessive limb-girdle muscular dystrophy type 2J. Last evaluated: 2025-01-12. Review status: criteria provided, single submitter. Criteria: Invitae Variant Classification Sherloc (09022015). Collection method: clinical testing. Allele origin: germline.
Comment: This sequence change creates a premature translational stop signal (p.Gln22227*) in the TTN gene. While this is not anticipated to result in nonsense mediated decay, it is expected to create a truncated TTN protein. This variant is not present in population databases (gnomAD no frequency). This premature translational stop signal has been observed in individual(s) with clinical features of dilated cardiomyopathy (internal data). ClinVar contains an entry for this variant (Variation ID: 1736392). This variant is located in the A band of TTN (PMID: 25589632). Truncating variants in this region are significantly overrepresented in patients affected with dilated cardiomyopathy (PMID: 25589632). Truncating variants in this region have also been reported in individuals affected with autosomal recessive centronuclear myopathy (PMID: 23975875). In summary, the currently available evidence indicates that the variant is pathogenic, but additional data are needed to prove that conclusively. Therefore, this variant has been classified as Likely Pathogenic.

Blueprint Genetics
Classification: Likely pathogenic for TTN-related disorders. Last evaluated: 2024-10-16. Review status: criteria provided, single submitter. Criteria: ACMG Guidelines, 2015. Collection method: clinical testing. Allele origin: germline. Affected: yes. Observed: 2 variant alleles.

Ambry Genetics
Classification: Likely pathogenic for Cardiovascular phenotype. Last evaluated: 2022-02-25. Review status: criteria provided, single submitter. Criteria: Ambry Variant Classification Scheme 2023. Collection method: clinical testing. Allele origin: germline.
Comment: The p.Q13162* variant (also known as c.39484C>T), located in coding exon 143 of the TTN gene, results from a C to T substitution at nucleotide position 39484. This changes the amino acid from a glutamine to a stop codon within coding exon 143. This exon is located in the A-band region of the N2-B isoform of the titin protein and is constitutively expressed in TTN transcripts (percent spliced in or PSI 100%). This variant is considered to be rare based on population cohorts in the Genome Aggregation Database (gnomAD). This alteration is expected to result in loss of function by premature protein truncation or nonsense-mediated mRNA decay. While truncating variants in TTN are present in 1-3% of the general population, truncating variants in the A-band are the most common cause of dilated cardiomyopathy (DCM) (Herman DS et al. N. Engl. J. Med., 2012 Feb;366:619-28; Roberts AM et al. Sci Transl Med, 2015 Jan;7:270ra6). TTN truncating variants encoded in constitutive exons (PSI >90%) have been found to be significantly associated with DCM regardless of their position in titin (Schafer S et al. Nat. Genet., 2017 01;49:46-53). As such, this alteration is classified as likely pathogenic.

Literature cited by the submitters: PubMed 25589632 (cited by Labcorp Genetics (formerly Invitae), Labcorp); PubMed 23975875 (cited by Labcorp Genetics (formerly Invitae), Labcorp).